The following is an entry in ClinVar:

ClinVar aggregate classification (germline): Benign/Likely benign. Review status: criteria provided, multiple submitters, no conflicts (2 of 4 stars). 7 submissions from 7 submitters: Benign (5); Likely benign (2). Last evaluated 2025-12-15.

Conditions:
Inborn genetic diseases. Identifiers: MedGen C0950123, MeSH D030342.
Cornelia de Lange syndrome 1 (CDLS1). Also called: TYPUS DEGENERATIVUS AMSTELODAMENSIS; Brachmann de Lange syndrome; NIPBL-Related Cornelia de Lange Syndrome. Identifiers: Orphanet 199, MedGen C4551851, MONDO:0007387, OMIM 122470.

Allele frequency attached by ClinVar (database versions not stated): ExAC 0.00065; 1000 Genomes Project 0.00180; ESP Exome Variant Server 0.00200; gnomAD 0.00215 and 0.00229; TOPMed 0.00245; 1000 Genomes Project 30x 0.00250.
gnomAD v4.1: 645 of 1,600,804 alleles (0.04%); highest among the groups gnomAD compares: African/African-American, 0.78%; 2 homozygotes.

Submissions (7):

Labcorp Genetics (formerly Invitae), Labcorp
Classification: Benign for Cornelia de Lange syndrome 1. Last evaluated: 2025-12-15. Review status: criteria provided, single submitter. Criteria: Invitae Variant Classification Sherloc (09022015). Collection method: clinical testing. Allele origin: germline.

CeGaT Center for Human Genetics Tuebingen
Classification: Benign. Last evaluated: 2022-09-01. Review status: criteria provided, single submitter. Criteria: CeGaT Center For Human Genetics Tuebingen Variant Classification Criteria Version 2. Collection method: clinical testing. Allele origin: germline. Affected: yes. Observed: 2 variant alleles.
Comment: NIPBL: BS1, BS2

GeneDx
Classification: Benign. Last evaluated: 2021-08-24. Review status: criteria provided, single submitter. Criteria: GeneDx Variant Classification Process June 2021. Collection method: clinical testing. Allele origin: germline. Affected: yes.

Genome-Nilou Lab
Classification: Benign for Cornelia de Lange syndrome 1. Last evaluated: 2021-07-15. Review status: criteria provided, single submitter. Criteria: ACMG Guidelines, 2015. Collection method: clinical testing. Allele origin: germline. Affected: no.

Athena Diagnostics
Classification: Benign. Last evaluated: 2018-11-28. Review status: criteria provided, single submitter. Criteria: Athena Diagnostics Criteria. Collection method: clinical testing. Allele origin: germline.

Ambry Genetics
Classification: Likely benign for Inborn genetic diseases. Last evaluated: 2016-07-11. Review status: criteria provided, single submitter. Criteria: Ambry Variant Classification Scheme 2023. Collection method: clinical testing. Allele origin: germline.

Breakthrough Genomics
Classification: Likely benign. Review status: criteria provided, single submitter. Criteria: ACMG Guidelines, 2015. Collection method: not provided. Allele origin: germline. Inheritance: Autosomal dominant inheritance. Affected: yes.

NM_133433.4(NIPBL):c.4245A>C (p.Ser1415=)

Gene: NIPBL (NIPBL cohesin loading factor; plus strand). Cytogenetic location: 5p13.2.
Variant type: single nucleotide variant.
Coding change: c.4245A>C on transcript NM_133433.4 (MANE Select); coding-DNA position 4245, A replaced by C.
Protein change: p.Ser1415=; no amino-acid change (serine 1415 retained).
Molecular consequence: synonymous variant.
Genome position (GRCh38, 1-based): chr5:37,008,013, A>C. VCF-style: chr5-37008013-A-C. GRCh37 (hg19) VCF-style: chr5-37008115-A-C.
Other names: c.4245A>C, p.Ser1415= (NM_015384.5).
Identifiers: ClinVar variation 476590 (VCV000476590.44), dbSNP rs138440449, ClinGen allele CA3236522.
Genomic context (GRCh38, chr5:37,008,013, plus strand): 5'-AATGTTACTGAAATCAACTAAAGGTGTATACTACTTACTCTTCTTTTTTAAACAGGTTTC[A>C]TCTATGGGAATAACACCATTTTTTGTGGAAAATGTCAGTGAACTACAGTTGTGTGCCATT-3'
Protein context (NP_597677.2, residues 1405-1425): LLTDTTILQV[Ser1415=]SMGITPFFVE